The following is an entry in ClinVar:

NM_016529.6(ATP8A2):c.3111C>T (p.Thr1037=)

Gene: ATP8A2 (ATPase phospholipid transporting 8A2). Cytogenetic location: 13q12.13.
Variant type: single nucleotide variant.
Coding change: c.3111C>T on transcript NM_016529.6 (MANE Select); coding-DNA position 3111, C replaced by T.
Protein change: p.Thr1037=; no amino-acid change (threonine 1037 retained).
Molecular consequence: synonymous variant.
Genome position (GRCh38, 1-based): chr13:25,862,336, C>T. VCF-style: chr13-25862336-C-T. GRCh37 (hg19) VCF-style: chr13-26436474-C-T.
Other names: c.2916C>T, p.Thr972= (NM_001313741.1); c.3036C>T, p.Thr1012= (NM_001411005.1); c.3111C>T, p.Thr1037= (NM_001411006.1).
Identifiers: ClinVar variation 2016980 (VCV002016980.6), dbSNP rs2542632669, ClinGen allele CA483127200.

ClinVar aggregate classification (germline): Likely benign. Review status: criteria provided, multiple submitters, no conflicts (2 of 4 stars). 2 submissions from 2 submitters: Likely benign (2). Last evaluated 2026-06-01.

Submissions (2):

CeGaT Center for Human Genetics Tuebingen
Classification: Likely benign. Last evaluated: 2026-06-01. Review status: criteria provided, single submitter. Criteria: CeGaT Center For Human Genetics Tuebingen Variant Classification Criteria Version 2. Collection method: clinical testing. Allele origin: germline. Affected: yes. Observed: 1 variant allele.
Comment: ATP8A2: PM2:Supporting, BP4, BP7

Labcorp Genetics (formerly Invitae), Labcorp
Classification: Likely benign. Last evaluated: 2026-01-08. Review status: criteria provided, single submitter. Criteria: Invitae Variant Classification Sherloc (09022015). Collection method: clinical testing. Allele origin: germline.